The following is an entry in ClinVar:

NM_015311.3(OBSL1):c.2251A>C (p.Lys751Gln)

Gene: OBSL1 (obscurin like cytoskeletal adaptor 1; minus strand). Cytogenetic location: 2q35.
Variant type: single nucleotide variant.
Coding change: c.2251A>C on transcript NM_015311.3 (MANE Select); coding-DNA position 2251, A replaced by C.
Protein change: p.Lys751Gln; replaces lysine 751 with glutamine.
Molecular consequence: missense variant.
Genome position (GRCh38, 1-based): chr2:219,565,398, T>G on the plus strand (A>C on the coding strand, the complement: OBSL1 is on the minus strand). VCF-style: chr2-219565398-T-G. GRCh37 (hg19) VCF-style: chr2-220430120-T-G.
Other names: c.2251A>C, p.Lys751Gln (NM_001173408.2, NM_001173431.2); short protein forms K751Q.
Identifiers: ClinVar variation 1962492 (VCV001962492.5), dbSNP rs752432471, ClinGen allele CA2131283.

ClinVar aggregate classification (germline): Uncertain significance (1 of 4 stars; one submission).

Allele frequency attached by ClinVar (database versions not stated): gnomAD exomes below 0.00001; ExAC 0.00001; gnomAD 0.00001; TOPMed 0.00002.
gnomAD v4.1: 4 of 1,613,900 alleles (0.00025%); highest among the groups gnomAD compares: Admixed American, 0.005%; no homozygotes.

Submission:

Labcorp Genetics (formerly Invitae), Labcorp
Classification: Uncertain significance. Last evaluated: 2023-12-11. Review status: criteria provided, single submitter. Criteria: Invitae Variant Classification Sherloc (09022015). Collection method: clinical testing. Allele origin: germline.
Comment: This sequence change replaces lysine, which is basic and polar, with glutamine, which is neutral and polar, at codon 751 of the OBSL1 protein (p.Lys751Gln). This variant is present in population databases (rs752432471, gnomAD 0.007%). This variant has not been reported in the literature in individuals affected with OBSL1-related conditions. ClinVar contains an entry for this variant (Variation ID: 1962492). An algorithm developed to predict the effect of missense changes on protein structure and function (PolyPhen-2) suggests that this variant is likely to be disruptive. In summary, the available evidence is currently insufficient to determine the role of this variant in disease. Therefore, it has been classified as a Variant of Uncertain Significance.